The following is an entry in ClinVar:

ClinVar aggregate classification (germline): Uncertain significance (1 of 4 stars; one submission).

Submission:

GeneDx
Classification: Uncertain significance. Last evaluated: 2022-03-10. Review status: criteria provided, single submitter. Criteria: GeneDx Variant Classification Process June 2021. Collection method: clinical testing. Allele origin: germline. Affected: yes.
Comment: Not observed at significant frequency in large population cohorts (gnomAD); In silico analysis supports that this missense variant has a deleterious effect on splicing; In silico analysis supports that this missense variant does not alter protein structure/function; Has not been previously published as pathogenic or benign to our knowledge

NM_001039591.3(USP9X):c.3557A>T (p.Gln1186Leu)

Gene: USP9X (ubiquitin specific peptidase 9 X-linked; plus strand). Cytogenetic location: Xp11.4.
Variant type: single nucleotide variant.
Coding change: c.3557A>T on transcript NM_001039591.3 (MANE Select); coding-DNA position 3557, A replaced by T.
Protein change: p.Gln1186Leu; replaces glutamine 1186 with leucine.
Molecular consequence: missense variant.
Genome position (GRCh38, 1-based): chrX:41,184,674, A>T. VCF-style: chrX-41184674-A-T. GRCh37 (hg19) VCF-style: chrX-41043927-A-T.
Other names: c.3557A>T, p.Gln1186Leu (NM_001039590.3); c.3572A>T, p.Gln1191Leu (NM_001410748.1, NM_001410749.1); short protein forms Q1186L, Q1191L.
Identifiers: ClinVar variation 1704962 (VCV001704962.2), dbSNP rs2519267209, ClinGen allele CA412765531.